The following is an entry in ClinVar:

ClinVar aggregate classification (germline): Uncertain significance (1 of 4 stars; one submission).

Conditions:
Juvenile polyposis syndrome (JPS). Identifiers: Orphanet 2929, MedGen C0345893, MONDO:0017380, OMIM 174900.

Submission:

Labcorp Genetics (formerly Invitae), Labcorp
Classification: Uncertain significance for Juvenile polyposis syndrome. Last evaluated: 2023-10-27. Review status: criteria provided, single submitter. Criteria: Invitae Variant Classification Sherloc (09022015). Collection method: clinical testing. Allele origin: germline.
Comment: This sequence change replaces glutamic acid, which is acidic and polar, with lysine, which is basic and polar, at codon 235 of the SMAD4 protein (p.Glu235Lys). This variant is not present in population databases (gnomAD no frequency). This variant has not been reported in the literature in individuals affected with SMAD4-related conditions. Advanced modeling of protein sequence and biophysical properties (such as structural, functional, and spatial information, amino acid conservation, physicochemical variation, residue mobility, and thermodynamic stability) performed at Invitae indicates that this missense variant is not expected to disrupt SMAD4 protein function with a negative predictive value of 95%. In summary, the available evidence is currently insufficient to determine the role of this variant in disease. Therefore, it has been classified as a Variant of Uncertain Significance.

NM_005359.6(SMAD4):c.703G>A (p.Glu235Lys)

Gene: SMAD4 (SMAD family member 4; plus strand). Cytogenetic location: 18q21.2.
Variant type: single nucleotide variant.
Coding change: c.703G>A on transcript NM_005359.6 (MANE Select); coding-DNA position 703, G replaced by A.
Protein change: p.Glu235Lys; replaces glutamic acid 235 with lysine.
Molecular consequence: missense variant. On other transcripts: non-coding transcript variant (2).
Genome position (GRCh38, 1-based): chr18:51,058,160, G>A. VCF-style: chr18-51058160-G-A. GRCh37 (hg19) VCF-style: chr18-48584530-G-A.
Other names: c.703G>A, p.Glu235Lys (NM_001407041.1, NM_001407042.1, NM_001407043.1); short protein forms E235K.
Identifiers: ClinVar variation 2772104 (VCV002772104.3), dbSNP rs2144426929, ClinGen allele CA402462730.